The following is an entry in ClinVar:

NM_001282717.2(STAG3):c.1446G>A (p.Leu482=)

Gene: STAG3 (STAG3 cohesin complex component; plus strand). Cytogenetic location: 7q22.1.
Variant type: single nucleotide variant.
Coding change: c.1446G>A on transcript NM_001282717.2 (MANE Select); coding-DNA position 1446, G replaced by A.
Protein change: p.Leu482=; no amino-acid change (leucine 482 retained).
Molecular consequence: synonymous variant.
Genome position (GRCh38, 1-based): chr7:100,198,936, G>A. VCF-style: chr7-100198936-G-A. GRCh37 (hg19) VCF-style: chr7-99796559-G-A.
Other names: c.1446G>A, p.Leu482= (NM_001282716.1, NM_001375438.1, NM_012447.4); c.1272G>A, p.Leu424= (NM_001282718.2).
Identifiers: ClinVar variation 3388973 (VCV003388973.14).

ClinVar aggregate classification (germline): Likely benign (1 of 4 stars; one submission).

gnomAD v4.1: 19 of 1,612,136 alleles (0.0012%); highest among the groups gnomAD compares: Non-Finnish European, 0.0015%; no homozygotes.

Submission:

CeGaT Center for Human Genetics Tuebingen
Classification: Likely benign. Last evaluated: 2024-09-01. Review status: criteria provided, single submitter. Criteria: CeGaT Center For Human Genetics Tuebingen Variant Classification Criteria Version 2. Collection method: clinical testing. Allele origin: germline. Affected: yes. Observed: 1 variant allele.
Comment: STAG3: PM2:Supporting, BP4, BP7